The following is an entry in ClinVar:

ClinVar aggregate classification (germline): Pathogenic (1 of 4 stars; one submission).

Conditions:
Hereditary cancer-predisposing syndrome. Also called: Neoplastic Syndromes, Hereditary; Tumor predisposition; Hereditary neoplastic syndrome; Hereditary Cancer Syndrome. Identifiers: Orphanet 140162, MedGen C0027672, MeSH D009386, MONDO:0015356.

Submission:

Ambry Genetics
Classification: Pathogenic for Hereditary cancer-predisposing syndrome. Last evaluated: 2022-11-18. Review status: criteria provided, single submitter. Criteria: Ambry Variant Classification Scheme 2023. Collection method: clinical testing. Allele origin: germline.
Comment: The c.4681dupC pathogenic mutation, located in coding exon 10 of the BRCA2 gene, results from a duplication of C at nucleotide position 4681, causing a translational frameshift with a predicted alternate stop codon (p.H1561Pfs*14). This variant is considered to be rare based on population cohorts in the Genome Aggregation Database (gnomAD). This alteration is expected to result in loss of function by premature protein truncation or nonsense-mediated mRNA decay. As such, this alteration is interpreted as a disease-causing mutation.

NM_000059.4(BRCA2):c.4681dup (p.His1561fs)

Gene: BRCA2 (BRCA2 DNA repair associated; plus strand). Cytogenetic location: 13q13.1.
Variant type: Duplication.
Coding change: c.4681dup on transcript NM_000059.4 (MANE Select); coding-DNA position 4681, one base duplicated (C; older notation c.4681dupC).
Protein change: p.His1561fs; shifts the reading frame from histidine 1561.
Molecular consequence: frameshift variant. On other transcripts: non-coding transcript variant (1), intron variant (2).
Genome position (GRCh38, 1-based): chr13:32,339,036, C duplicated; the last of 2 consecutive C bases (chr13:32,339,035-32,339,036); duplicating either gives the same sequence. VCF-style (leftmost placement, unchanged base first): chr13-32339034-G-GC. GRCh37 (hg19) VCF-style: chr13-32913171-G-GC.
Other names: c.4681dup, p.His1561fs (NM_001406719.1, NM_001406720.1); c.1910-5522dup (NM_001406721.1); c.425-5522dup (NM_001406722.1); c.4681dupC (NM_000059.3); short protein forms H1561fs.
Identifiers: ClinVar variation 2451485 (VCV002451485.2), dbSNP rs2548529058, ClinGen allele CA2580087302.